The following is an entry in ClinVar:

ClinVar aggregate classification (germline): Uncertain significance (1 of 4 stars; one submission).

gnomAD v4.1: 1 of 1,612,402 alleles (0.000062%); highest among the groups gnomAD compares: Admixed American, 0.0017%; no homozygotes.

Submission:

Labcorp Genetics (formerly Invitae), Labcorp
Classification: Uncertain significance. Last evaluated: 2025-10-29. Review status: criteria provided, single submitter. Criteria: Invitae Variant Classification Sherloc (09022015). Collection method: clinical testing. Allele origin: germline.
Comment: This sequence change replaces isoleucine, which is neutral and non-polar, with methionine, which is neutral and non-polar, at codon 223 of the JAK2 protein (p.Ile223Met). This variant is present in population databases (rs771717638, gnomAD 0.003%). This variant has not been reported in the literature in individuals affected with JAK2-related conditions. Invitae Evidence Modeling of protein sequence and biophysical properties (such as structural, functional, and spatial information, amino acid conservation, physicochemical variation, residue mobility, and thermodynamic stability) indicates that this missense variant is not expected to disrupt JAK2 protein function with a negative predictive value of 80%. In summary, the available evidence is currently insufficient to determine the role of this variant in disease. Therefore, it has been classified as a Variant of Uncertain Significance.

NM_004972.4(JAK2):c.669T>G (p.Ile223Met)

Genes: INSL6 (insulin like 6; minus strand), JAK2 (Janus kinase 2; plus strand). Cytogenetic location: 9p24.1.
Variant type: single nucleotide variant.
Coding change: c.669T>G on transcript NM_004972.4 (MANE Select); coding-DNA position 669, T replaced by G.
Protein change: p.Ile223Met; replaces isoleucine 223 with methionine.
Molecular consequence: missense variant. On other transcripts: 5 prime UTR variant (2), non-coding transcript variant (2).
Genome position (GRCh38, 1-based): chr9:5,054,617, T>G. VCF-style: chr9-5054617-T-G. GRCh37 (hg19) VCF-style: chr9-5054617-T-G.
Other names: c.669T>G, p.Ile223Met (NM_001322194.2, NM_001322195.2, NM_001322196.2); c.-452T>G (NM_001322198.2, NM_001322199.2); c.222T>G, p.Ile74Met (NM_001322204.2); short protein forms I74M, I223M.
Identifiers: ClinVar variation 4770807 (VCV004770807.1).